The following is an entry in ClinVar:

NM_005751.5(AKAP9):c.9985A>G (p.Ser3329Gly)

Gene: AKAP9 (A-kinase anchoring protein 9; plus strand). Cytogenetic location: 7q21.2.
Variant type: single nucleotide variant.
Coding change: c.9985A>G on transcript NM_005751.5 (MANE Select); coding-DNA position 9985, A replaced by G.
Protein change: p.Ser3329Gly; replaces serine 3329 with glycine.
Molecular consequence: missense variant.
Genome position (GRCh38, 1-based): chr7:92,096,944, A>G. VCF-style: chr7-92096944-A-G. GRCh37 (hg19) VCF-style: chr7-91726258-A-G.
Other names: c.4630A>G, p.Ser1544Gly (NM_001379277.1); c.9961A>G, p.Ser3321Gly (NM_147185.3); short protein forms S1544G, S3321G, S3329G.
Identifiers: ClinVar variation 2560654 (VCV002560654.4), dbSNP rs1479087781, ClinGen allele CA368152526.

ClinVar aggregate classification (germline): Uncertain significance. Review status: criteria provided, multiple submitters, no conflicts (2 of 4 stars). 2 submissions from 2 submitters: Uncertain significance (2). Last evaluated 2024-12-10.

Conditions:
Cardiovascular phenotype. Identifiers: MedGen CN230736.
Long QT syndrome (LQTS). Identifiers: MedGen C0023976, MeSH D008133, MONDO:0002442. Disease mechanism: loss of function. Inheritance: Various modes of inheritance.

Allele frequency attached by ClinVar (database versions not stated): gnomAD exomes below 0.00001; gnomAD 0.00001; TOPMed 0.00002.
gnomAD v4.1: 8 of 1,614,134 alleles (0.0005%); highest among the groups gnomAD compares: African/African-American, 0.0027%; no homozygotes.

Submissions (2):

Labcorp Genetics (formerly Invitae), Labcorp
Classification: Uncertain significance for Long QT syndrome. Last evaluated: 2024-12-10. Review status: criteria provided, single submitter. Criteria: Invitae Variant Classification Sherloc (09022015). Collection method: clinical testing. Allele origin: germline.
Comment: This sequence change replaces serine, which is neutral and polar, with glycine, which is neutral and non-polar, at codon 3329 of the AKAP9 protein (p.Ser3329Gly). This variant is present in population databases (no rsID available, gnomAD 0.007%). This variant has not been reported in the literature in individuals affected with AKAP9-related conditions. ClinVar contains an entry for this variant (Variation ID: 2560654). An algorithm developed to predict the effect of missense changes on protein structure and function (PolyPhen-2) suggests that this variant is likely to be tolerated. In summary, the available evidence is currently insufficient to determine the role of this variant in disease. Therefore, it has been classified as a Variant of Uncertain Significance.

Ambry Genetics
Classification: Uncertain significance for Cardiovascular phenotype. Last evaluated: 2023-05-18. Review status: criteria provided, single submitter. Criteria: Ambry Variant Classification Scheme 2023. Collection method: clinical testing. Allele origin: germline.
Comment: The p.S3329G variant (also known as c.9985A>G), located in coding exon 41 of the AKAP9 gene, results from an A to G substitution at nucleotide position 9985. The serine at codon 3329 is replaced by glycine, an amino acid with similar properties. This amino acid position is conserved. In addition, this alteration is predicted to be tolerated by in silico analysis. Since supporting evidence is limited at this time, the clinical significance of this alteration remains unclear.